The following is an entry in ClinVar:

NM_032242.4(PLXNA1):c.1903C>T (p.Gln635Ter)

Gene: PLXNA1 (plexin A1; plus strand). Cytogenetic location: 3q21.3.
Variant type: single nucleotide variant.
Coding change: c.1903C>T on transcript NM_032242.4 (MANE Select); coding-DNA position 1903, C replaced by T.
Protein change: p.Gln635Ter; replaces glutamine 635 with a stop codon.
Molecular consequence: nonsense.
Genome position (GRCh38, 1-based): chr3:127,006,084, C>T. VCF-style: chr3-127006084-C-T. GRCh37 (hg19) VCF-style: chr3-126724927-C-T.
Other names: short protein forms Q635*.
Identifiers: ClinVar variation 3355649 (VCV003355649.1).
Genomic context (GRCh38, chr3:127,006,084, plus strand): 5'-TGTGTGGGAGTCCTGGGCAAGCAGTCCTGGTGACTCAGCCATGCTGCTCGTGCAGGAGAC[C>T]AGCGGGTGGTGAAACTCTACCTAAAGTCCAAGGAGACAGGGAAGAAGTTTGCGTCTGTGG-3'

ClinVar aggregate classification (germline): Uncertain significance (0 of 4 stars; one submission).

Conditions:
PLXNA1-related disorder. Also called: PLXNA1-related condition.

gnomAD v4.1: 2 of 1,613,432 alleles (0.00012%); highest among the groups gnomAD compares: Non-Finnish European, 0.00017%; no homozygotes.

Submission:

PreventionGenetics, part of Exact Sciences
Classification: Uncertain significance for PLXNA1-related condition. Last evaluated: 2024-06-19. Review status: no assertion criteria provided. Collection method: clinical testing. Allele origin: germline.
Comment: The PLXNA1 c.1903C>T variant is predicted to result in premature protein termination (p.Gln635*). To our knowledge, this variant has not been reported in the literature. This variant is reported in 0.00088% of alleles in individuals of European (Non-Finnish) descent in gnomAD. Although we suspect that this variant could be pathogenic, at this time, the clinical significance of this variant is uncertain due to the absence of conclusive functional and genetic evidence.